The following is an entry in ClinVar:

NM_000135.4(FANCA):c.1566+1G>T

Gene: FANCA (FA complementation group A; minus strand). Cytogenetic location: 16q24.3.
Variant type: single nucleotide variant.
Coding change: c.1566+1G>T on transcript NM_000135.4 (MANE Select); the canonical splice donor site of the intron after coding-DNA position 1566, G replaced by T.
Molecular consequence: splice donor variant.
Genome position (GRCh38, 1-based): chr16:89,783,006, C>A on the plus strand (G>T on the coding strand, the complement: FANCA is on the minus strand). VCF-style: chr16-89783006-C-A. GRCh37 (hg19) VCF-style: chr16-89849414-C-A.
Other names: c.1566+1G>T (NM_001286167.3).
Identifiers: ClinVar variation 3000566 (VCV003000566.3), dbSNP rs2544243344, ClinGen allele CA397458044.

ClinVar aggregate classification (germline): Likely pathogenic (1 of 4 stars; one submission).

Conditions:
Fanconi anemia (FA). Also called: Fanconi's anemia. Identifiers: Orphanet 84, MedGen C0015625, MeSH D005199, MONDO:0019391.

Submission:

Labcorp Genetics (formerly Invitae), Labcorp
Classification: Likely pathogenic for Fanconi anemia. Last evaluated: 2023-04-28. Review status: criteria provided, single submitter. Criteria: Invitae Variant Classification Sherloc (09022015). Collection method: clinical testing. Allele origin: germline.
Comment: In summary, the currently available evidence indicates that the variant is pathogenic, but additional data are needed to prove that conclusively. Therefore, this variant has been classified as Likely Pathogenic. Algorithms developed to predict the effect of sequence changes on RNA splicing suggest that this variant may disrupt the consensus splice site. This variant has not been reported in the literature in individuals affected with FANCA-related conditions. This variant is not present in population databases (gnomAD no frequency). This sequence change affects a donor splice site in intron 16 of the FANCA gene. It is expected to disrupt RNA splicing. Variants that disrupt the donor or acceptor splice site typically lead to a loss of protein function (PMID: 16199547), and loss-of-function variants in FANCA are known to be pathogenic (PMID: 19367192).

Literature cited by the submitters: PubMed 16199547; PubMed 19367192.